The following is an entry in ClinVar:

ClinVar aggregate classification (germline): Uncertain significance. Review status: criteria provided, multiple submitters, no conflicts (2 of 4 stars). 2 submissions from 2 submitters: Uncertain significance (2). Last evaluated 2024-01-10.

Conditions:
Developmental delay, hypotonia, musculoskeletal defects, and behavioral abnormalities. Identifiers: MedGen C5562012, MONDO:0859202, OMIM 619595.
Floating-Harbor syndrome (FLHS). Also called: Short stature with delayed bone age, expressive language delay, a triangular face with a prominent nose and deep-set eyes; Pelletier-Leisti syndrome; SRCAP-Related Floating-Harbor Syndrome. Identifiers: Orphanet 2044, MedGen C0729582, MONDO:0007621, OMIM 136140.

Allele frequency attached by ClinVar (database versions not stated): gnomAD exomes below 0.00001; gnomAD 0.00001; TOPMed 0.00001; ExAC 0.00002.
gnomAD v4.1: 6 of 1,604,022 alleles (0.00037%); highest among the groups gnomAD compares: Non-Finnish European, 0.00051%; no homozygotes.

Submissions (2):

Fulgent Genetics
Classification: Uncertain significance for Floating-Harbor syndrome; Developmental delay, hypotonia, musculoskeletal defects, and behavioral abnormalities. Last evaluated: 2024-01-10. Review status: criteria provided, single submitter. Criteria: ACMG Guidelines, 2015. Collection method: clinical testing. Allele origin: germline.

Labcorp Genetics (formerly Invitae), Labcorp
Classification: Uncertain significance. Last evaluated: 2023-05-02. Review status: criteria provided, single submitter. Criteria: Invitae Variant Classification Sherloc (09022015). Collection method: clinical testing. Allele origin: germline.
Comment: This variant has not been reported in the literature in individuals affected with SRCAP-related conditions. This variant is present in population databases (rs750509683, gnomAD 0.004%). This sequence change replaces proline, which is neutral and non-polar, with serine, which is neutral and polar, at codon 2854 of the SRCAP protein (p.Pro2854Ser). In summary, the available evidence is currently insufficient to determine the role of this variant in disease. Therefore, it has been classified as a Variant of Uncertain Significance. Advanced modeling of protein sequence and biophysical properties (such as structural, functional, and spatial information, amino acid conservation, physicochemical variation, residue mobility, and thermodynamic stability) performed at Invitae indicates that this missense variant is not expected to disrupt SRCAP protein function.

NM_006662.3(SRCAP):c.8560C>T (p.Pro2854Ser)

Gene: SRCAP (Snf2 related CREBBP activator protein; plus strand). Cytogenetic location: 16p11.2.
Variant type: single nucleotide variant.
Coding change: c.8560C>T on transcript NM_006662.3 (MANE Select); coding-DNA position 8560, C replaced by T.
Protein change: p.Pro2854Ser; replaces proline 2854 with serine.
Molecular consequence: missense variant.
Genome position (GRCh38, 1-based): chr16:30,738,600, C>T. VCF-style: chr16-30738600-C-T. GRCh37 (hg19) VCF-style: chr16-30749921-C-T.
Other names: short protein forms P2854S.
Identifiers: ClinVar variation 2870900 (VCV002870900.4), dbSNP rs750509683, ClinGen allele CA8012730.